The following is an entry in ClinVar:

ClinVar aggregate classification (germline): Benign. Review status: criteria provided, multiple submitters, no conflicts (2 of 4 stars). 7 submissions from 7 submitters: Benign (7). Last evaluated 2026-02-04.

Conditions:
Inosine triphosphatase deficiency. Also called: INOSINE TRIPHOSPHATE PYROPHOSPHOHYDROLASE DEFICIENCY. Identifiers: MedGen C0342800, MONDO:0013461, OMIM 613850.
Developmental and epileptic encephalopathy, 35 (DEE35). Also called: Epileptic encephalopathy, early infantile, 35. Identifiers: Orphanet 457375, MedGen C4225256, MONDO:0014719, OMIM 616647.

Allele frequency attached by ClinVar (database versions not stated): gnomAD exomes 0.31811 and 0.34573; ESP Exome Variant Server 0.33992; gnomAD 0.34252 and 0.35007; ExAC 0.35200; TOPMed 0.35831; 1000 Genomes Project 30x 0.46299; 1000 Genomes Project 0.47045.
gnomAD v4.1: 519,715 of 1,613,556 alleles (32%); highest among the groups gnomAD compares: East Asian, 59%; 89,929 homozygotes.

Submissions (7):

Labcorp Genetics (formerly Invitae), Labcorp
Classification: Benign for Inosine triphosphatase deficiency. Last evaluated: 2026-02-04. Review status: criteria provided, single submitter. Criteria: Invitae Variant Classification Sherloc (09022015). Collection method: clinical testing. Allele origin: germline.

Unidad de Genómica Garrahan, Hospital de Pediatría Garrahan
Classification: Benign. Last evaluated: 2024-07-15. Review status: criteria provided, single submitter. Criteria: ACMG Guidelines, 2015. Collection method: clinical testing. Allele origin: germline. Affected: no. Observed: 35 variant alleles.
Comment: This variant is classified as Benign based on local population frequency. This variant was detected in 38% of patients studied in a panel designed for Epileptic and Developmental Encephalopathy and Progressive Myoclonus Epilepsy. Number of patients: 35. Only high quality variants are reported.

Women's Health and Genetics/Laboratory Corporation of America, LabCorp
Classification: Benign. Last evaluated: 2021-12-16. Review status: criteria provided, single submitter. Criteria: LabCorp Variant Classification Summary - May 2015. Collection method: clinical testing. Allele origin: germline.
Comment: Variant summary: ITPA c.138G>A results in a synonymous change. The variant allele was found at a frequency of 0.35 in 251486 control chromosomes in the gnomAD database, including 17111 homozygotes. The observed variant frequency is approximately 309.23 fold of the estimated maximal expected allele frequency for a pathogenic variant in ITPA causing Early Infantile Epileptic Encephalopathy, 35 phenotype (0.0011), strongly suggesting that the variant is benign. Three clinical diagnostic laboratories have submitted clinical-significance assessments for this variant to ClinVar after 2014 without evidence for independent evaluation. All laboratories classified the variant as benign. Based on the evidence outlined above, the variant was classified as benign.

Mayo Clinic Laboratories, Mayo Clinic
Classification: Benign. Last evaluated: 2021-11-29. Review status: criteria provided, single submitter. Criteria: ACMG Guidelines, 2015. Collection method: clinical testing. Allele origin: germline. Observed: 143 variant alleles.

Genome-Nilou Lab
Classification: Benign for Developmental and epileptic encephalopathy, 35. Last evaluated: 2021-08-19. Review status: criteria provided, single submitter. Criteria: ACMG Guidelines, 2015. Collection method: clinical testing. Allele origin: germline. Affected: no.

GeneDx
Classification: Benign. Last evaluated: 2021-05-04. Review status: criteria provided, single submitter. Criteria: GeneDx Variant Classification Process June 2021. Collection method: clinical testing. Allele origin: germline. Affected: yes.

Breakthrough Genomics
Classification: Benign. Review status: criteria provided, single submitter. Criteria: ACMG Guidelines, 2015. Collection method: not provided. Allele origin: germline. Inheritance: Autosomal recessive inheritance. Affected: yes.

NM_033453.4(ITPA):c.138G>A (p.Gln46=)

Gene: ITPA (inosine triphosphatase; plus strand). Cytogenetic location: 20p13.
Variant type: single nucleotide variant.
Coding change: c.138G>A on transcript NM_033453.4 (MANE Select); coding-DNA position 138, G replaced by A.
Protein change: p.Gln46=; no amino-acid change (glutamine 46 retained).
Molecular consequence: synonymous variant. On other transcripts: intron variant (1), 5 prime UTR variant (4).
Genome position (GRCh38, 1-based): chr20:3,213,332, G>A. VCF-style: chr20-3213332-G-A. GRCh37 (hg19) VCF-style: chr20-3193978-G-A.
Other names: p.Gln46=; c.67-653G>A (NM_001267623.2); c.-200G>A (NM_001324236.2, NM_001324237.2, NM_001324238.2 and 1 more transcripts); c.138G>A, p.Gln46= (NM_001324240.2); c.87G>A, p.Gln29= (NM_181493.4).
Identifiers: ClinVar variation 1170107 (VCV001170107.17), dbSNP rs8362, ClinGen allele CA9741181.